The following is an entry in ClinVar:

ClinVar aggregate classification (germline): Conflicting classifications of pathogenicity. Review status: criteria provided, conflicting classifications (1 of 4 stars). 7 submissions from 7 submitters: Uncertain significance (1); Benign (2); Likely benign (3). 1 of the submissions does not count toward it. Last evaluated 2026-02-02.

Conditions:
KMT2D-related disorder. Also called: KMT2D-Related Disorders.
Kabuki syndrome. Also called: Kabuki make-up syndrome; NIIKAWA-KUROKI SYNDROME. Identifiers: Orphanet 2322, MedGen C0796004, MONDO:0016512.

Allele frequency attached by ClinVar (database versions not stated): 1000 Genomes Project 30x 0.00016; 1000 Genomes Project 0.00020; ExAC 0.00030; gnomAD exomes 0.00036 and 0.00060; ESP Exome Variant Server 0.00041; gnomAD 0.00044 and 0.00047; TOPMed 0.00047.
gnomAD v4.1: 933 of 1,613,744 alleles (0.058%); highest among the groups gnomAD compares: Non-Finnish European, 0.071%; no homozygotes.

Submissions (7):

Labcorp Genetics (formerly Invitae), Labcorp
Classification: Likely benign for Kabuki syndrome. Last evaluated: 2026-02-02. Review status: criteria provided, single submitter. Criteria: Invitae Variant Classification Sherloc (09022015). Collection method: clinical testing. Allele origin: germline.

CeGaT Center for Human Genetics Tuebingen
Classification: Likely benign. Last evaluated: 2026-01-01. Review status: criteria provided, single submitter. Criteria: CeGaT Center For Human Genetics Tuebingen Variant Classification Criteria Version 2. Collection method: clinical testing. Allele origin: germline. Affected: yes. Observed: 4 variant alleles.
Comment: KMT2D: BP4, BP7

Blueprint Genetics
Classification: Likely benign. Last evaluated: 2024-09-03. Review status: criteria provided, single submitter. Criteria: ACMG Guidelines, 2015. Collection method: clinical testing. Allele origin: germline.

GeneDx
Classification: Benign. Last evaluated: 2019-10-16. Review status: criteria provided, single submitter. Criteria: GeneDx Variant Classification Process June 2021. Collection method: clinical testing. Allele origin: germline. Affected: yes.

Genetic Services Laboratory, University of Chicago
Classification: Benign. Last evaluated: 2018-08-23. Review status: criteria provided, single submitter. Criteria: ACMG Guidelines, 2015. Collection method: clinical testing. Allele origin: germline. Affected: no.

Eurofins Ntd Llc (ga)
Classification: Uncertain significance. Last evaluated: 2018-08-08. Review status: criteria provided, single submitter. Criteria: EGL ClinVar v180209 classification definitions. Collection method: clinical testing. Allele origin: germline. Observed: 4 variant alleles, 4 heterozygotes.

PreventionGenetics, part of Exact Sciences
Classification: Likely benign for KMT2D-related condition. Last evaluated: 2019-09-25. Review status: no assertion criteria provided. Collection method: clinical testing. Allele origin: germline. Not counted in ClinVar's aggregate classification.
Comment: This variant is classified as likely benign based on ACMG/AMP sequence variant interpretation guidelines (Richards et al. 2015 PMID: 25741868, with internal and published modifications).

NM_003482.4(KMT2D):c.1149C>T (p.Asp383=)

Gene: KMT2D (lysine methyltransferase 2D; minus strand). Cytogenetic location: 12q13.12.
Variant type: single nucleotide variant.
Coding change: c.1149C>T on transcript NM_003482.4 (MANE Select); coding-DNA position 1149, C replaced by T.
Protein change: p.Asp383=; no amino-acid change (aspartic acid 383 retained).
Molecular consequence: synonymous variant.
Genome position (GRCh38, 1-based): chr12:49,052,673, G>A on the plus strand (C>T on the coding strand, the complement: KMT2D is on the minus strand). VCF-style: chr12-49052673-G-A. GRCh37 (hg19) VCF-style: chr12-49446456-G-A.
Identifiers: ClinVar variation 199087 (VCV000199087.41), dbSNP rs201709328, ClinGen allele CA248085.